The following is an entry in ClinVar:

ClinVar aggregate classification (germline): Uncertain significance. Review status: criteria provided, multiple submitters, no conflicts (2 of 4 stars). 2 submissions from 2 submitters: Uncertain significance (2). Last evaluated 2024-01-09.

Conditions:
Brachyolmia-amelogenesis imperfecta syndrome. Also called: PLATYSPONDYLY WITH AMELOGENESIS IMPERFECTA; Tooth agenesis, selective, 6; Dental anomalies and short stature. Identifiers: Orphanet 2899, MedGen C1832594, MONDO:0011018, OMIM 601216. Disease mechanism: loss of function.
Inborn genetic diseases. Identifiers: MedGen C0950123, MeSH D030342.

Allele frequency attached by ClinVar (database versions not stated): TOPMed below 0.00001; gnomAD 0.00001.
gnomAD v4.1: 2 of 1,614,024 alleles (0.00012%); highest among the groups gnomAD compares: Non-Finnish European, 0.00017%; no homozygotes.

Submissions (2):

Ambry Genetics
Classification: Uncertain significance for Inborn genetic diseases. Last evaluated: 2024-01-09. Review status: criteria provided, single submitter. Criteria: Ambry Variant Classification Scheme 2023. Collection method: clinical testing. Allele origin: germline.

Labcorp Genetics (formerly Invitae), Labcorp
Classification: Uncertain significance for Brachyolmia-amelogenesis imperfecta syndrome. Last evaluated: 2021-12-27. Review status: criteria provided, single submitter. Criteria: Invitae Variant Classification Sherloc (09022015). Collection method: clinical testing. Allele origin: germline.
Comment: In summary, the available evidence is currently insufficient to determine the role of this variant in disease. Therefore, it has been classified as a Variant of Uncertain Significance. Algorithms developed to predict the effect of missense changes on protein structure and function are either unavailable or do not agree on the potential impact of this missense change (SIFT: "Deleterious"; PolyPhen-2: "Probably Damaging"; Align-GVGD: "Class C0"). This variant has not been reported in the literature in individuals affected with LTBP3-related conditions. This variant is not present in population databases (gnomAD no frequency). This sequence change replaces cysteine, which is neutral and slightly polar, with tryptophan, which is neutral and slightly polar, at codon 685 of the LTBP3 protein (p.Cys685Trp).

NM_001130144.3(LTBP3):c.2055C>G (p.Cys685Trp)

Gene: LTBP3 (latent transforming growth factor beta binding protein 3; minus strand). Cytogenetic location: 11q13.1.
Variant type: single nucleotide variant.
Coding change: c.2055C>G on transcript NM_001130144.3 (MANE Select); coding-DNA position 2055, C replaced by G.
Protein change: p.Cys685Trp; replaces cysteine 685 with tryptophan.
Molecular consequence: missense variant.
Genome position (GRCh38, 1-based): chr11:65,547,491, G>C on the plus strand (C>G on the coding strand, the complement: LTBP3 is on the minus strand). VCF-style: chr11-65547491-G-C. GRCh37 (hg19) VCF-style: chr11-65314962-G-C.
Other names: c.2055C>G (NM_001130144.2); c.1704C>G, p.Cys568Trp (NM_001164266.1); c.2055C>G, p.Cys685Trp (NM_021070.4); short protein forms C568W, C685W.
Identifiers: ClinVar variation 1387990 (VCV001387990.7), dbSNP rs1208038518, ClinGen allele CA381270914.